The following is an entry in ClinVar:

NM_014000.3(VCL):c.1810A>G (p.Thr604Ala)

Gene: VCL (vinculin; plus strand). Cytogenetic location: 10q22.2.
Variant type: single nucleotide variant.
Coding change: c.1810A>G on transcript NM_014000.3 (MANE Select); coding-DNA position 1810, A replaced by G.
Protein change: p.Thr604Ala; replaces threonine 604 with alanine.
Molecular consequence: missense variant.
Genome position (GRCh38, 1-based): chr10:74,097,270, A>G. VCF-style: chr10-74097270-A-G. GRCh37 (hg19) VCF-style: chr10-75857028-A-G.
Other names: c.1810A>G, p.Thr604Ala (NM_003373.4); short protein forms T604A.
Identifiers: ClinVar variation 1311203 (VCV001311203.9), dbSNP rs754470470, ClinGen allele CA209704306.

ClinVar aggregate classification (germline): Uncertain significance. Review status: criteria provided, multiple submitters, no conflicts (2 of 4 stars). 4 submissions from 4 submitters: Uncertain significance (4). Last evaluated 2026-07-01.

Conditions:
Dilated cardiomyopathy 1W (CMD1W). Identifiers: Orphanet 154, MedGen C1969639, MONDO:0012667, OMIM 611407.
Cardiovascular phenotype. Identifiers: MedGen CN230736.

Allele frequency attached by ClinVar (database versions not stated): gnomAD exomes below 0.00001 and 0.00001; TOPMed 0.00001.
gnomAD v4.1: 7 of 1,613,990 alleles (0.00043%); highest among the groups gnomAD compares: African/African-American, 0.0013%; no homozygotes.

Submissions (4):

CeGaT Center for Human Genetics Tuebingen
Classification: Uncertain significance. Last evaluated: 2026-07-01. Review status: criteria provided, single submitter. Criteria: CeGaT Center For Human Genetics Tuebingen Variant Classification Criteria Version 2. Collection method: clinical testing. Allele origin: germline. Affected: yes. Observed: 1 variant allele.
Comment: VCL: PM2

Labcorp Genetics (formerly Invitae), Labcorp
Classification: Uncertain significance for Dilated cardiomyopathy 1W. Last evaluated: 2024-08-04. Review status: criteria provided, single submitter. Criteria: Invitae Variant Classification Sherloc (09022015). Collection method: clinical testing. Allele origin: germline.
Comment: This sequence change replaces threonine, which is neutral and polar, with alanine, which is neutral and non-polar, at codon 604 of the VCL protein (p.Thr604Ala). This variant is present in population databases (rs754470470, gnomAD 0.0009%). This variant has not been reported in the literature in individuals affected with VCL-related conditions. ClinVar contains an entry for this variant (Variation ID: 1311203). An algorithm developed to predict the effect of missense changes on protein structure and function (PolyPhen-2) suggests that this variant is likely to be disruptive. In summary, the available evidence is currently insufficient to determine the role of this variant in disease. Therefore, it has been classified as a Variant of Uncertain Significance.

GeneDx
Classification: Uncertain significance. Last evaluated: 2024-02-09. Review status: criteria provided, single submitter. Criteria: GeneDx Variant Classification Process June 2021. Collection method: clinical testing. Allele origin: germline. Affected: yes.
Comment: Not observed at significant frequency in large population cohorts (gnomAD); In silico analysis, which includes protein predictors and evolutionary conservation, supports a deleterious effect; Has not been previously published as pathogenic or benign to our knowledge

Ambry Genetics
Classification: Uncertain significance for Cardiovascular phenotype. Last evaluated: 2023-03-07. Review status: criteria provided, single submitter. Criteria: Ambry Variant Classification Scheme 2023. Collection method: clinical testing. Allele origin: germline.
Comment: The p.T604A variant (also known as c.1810A>G), located in coding exon 13 of the VCL gene, results from an A to G substitution at nucleotide position 1810. The threonine at codon 604 is replaced by alanine, an amino acid with similar properties. This amino acid position is conserved. In addition, the in silico prediction for this alteration is inconclusive. Since supporting evidence is limited at this time, the clinical significance of this alteration remains unclear.